The following is an entry in ClinVar:

NM_000171.4(GLRA1):c.1265G>A (p.Gly422Asp)

Gene: GLRA1 (glycine receptor alpha 1; minus strand). Cytogenetic location: 5q33.1.
Variant type: single nucleotide variant.
Coding change: c.1265G>A on transcript NM_000171.4 (MANE Select); coding-DNA position 1265, G replaced by A.
Protein change: p.Gly422Asp; replaces glycine 422 with aspartic acid.
Molecular consequence: missense variant.
Genome position (GRCh38, 1-based): chr5:151,822,758, C>T on the plus strand (G>A on the coding strand, the complement: GLRA1 is on the minus strand). VCF-style: chr5-151822758-C-T. GRCh37 (hg19) VCF-style: chr5-151202319-C-T.
Other names: c.1289G>A, p.Gly430Asp (NM_001146040.2); c.1016G>A, p.Gly339Asp (NM_001292000.2); short protein forms G339D, G422D, G430D.
Identifiers: ClinVar variation 1060689 (VCV001060689.9), dbSNP rs2113276466, ClinGen allele CA361849801.

ClinVar aggregate classification (germline): Uncertain significance (1 of 4 stars; one submission).

Conditions:
Hereditary hyperekplexia. Identifiers: Orphanet 3197, MedGen C4084968, MONDO:0021022.

Allele frequency attached by ClinVar (database versions not stated): gnomAD exomes below 0.00001.
gnomAD v4.1: 1 of 1,613,822 alleles (0.000062%); highest among the groups gnomAD compares: Non-Finnish European, 0.000085%; no homozygotes.

Submission:

Labcorp Genetics (formerly Invitae), Labcorp
Classification: Uncertain significance for Hereditary hyperekplexia. Last evaluated: 2020-06-29. Review status: criteria provided, single submitter. Criteria: Invitae Variant Classification Sherloc (09022015). Collection method: clinical testing. Allele origin: germline.
Comment: Algorithms developed to predict the effect of missense changes on protein structure and function (SIFT, PolyPhen-2, Align-GVGD) all suggest that this variant is likely to be tolerated, but these predictions have not been confirmed by published functional studies and their clinical significance is uncertain. In summary, the available evidence is currently insufficient to determine the role of this variant in disease. Therefore, it has been classified as a Variant of Uncertain Significance. This variant has not been reported in the literature in individuals with GLRA1-related conditions. This variant is not present in population databases (ExAC no frequency). This sequence change replaces glycine with aspartic acid at codon 422 of the GLRA1 protein (p.Gly422Asp). The glycine residue is moderately conserved and there is a moderate physicochemical difference between glycine and aspartic acid.